The following is an entry in ClinVar:

NM_000245.4(MET):c.3459G>A (p.Pro1153=)

Gene: MET (MET proto-oncogene, receptor tyrosine kinase; plus strand). Cytogenetic location: 7q31.2.
Variant type: single nucleotide variant.
Coding change: c.3459G>A on transcript NM_000245.4 (MANE Select); coding-DNA position 3459, G replaced by A.
Protein change: p.Pro1153=; no amino-acid change (proline 1153 retained).
Molecular consequence: synonymous variant.
Genome position (GRCh38, 1-based): chr7:116,778,894, G>A. VCF-style: chr7-116778894-G-A. GRCh37 (hg19) VCF-style: chr7-116418948-G-A.
Other names: c.3513G>A (NM_001127500.2); c.3513G>A, p.Pro1171= (NM_001127500.3); c.2169G>A, p.Pro723= (NM_001324402.2).
Identifiers: ClinVar variation 699599 (VCV000699599.18), dbSNP rs201245213, ClinGen allele CA4448725.
Genomic context (GRCh38, chr7:116,778,894, plus strand): 5'-TTTTAGTCATCCCAATGTCCTCTCGCTCCTGGGAATCTGCCTGCGAAGTGAAGGGTCTCC[G>A]CTGGTGGTCCTACCATACATGAAACATGGAGATCTTCGAAATTTCATTCGAAATGAGACT-3'
Protein context (NP_000236.2, residues 1143-1163): LGICLRSEGS[Pro1153=]LVVLPYMKHG

ClinVar aggregate classification (germline): Benign/Likely benign. Review status: criteria provided, multiple submitters, no conflicts (2 of 4 stars). 6 submissions from 6 submitters: Benign (1); Likely benign (4). 1 of the submissions does not count toward it. Last evaluated 2026-01-28.

Conditions:
Hereditary cancer-predisposing syndrome. Also called: Neoplastic Syndromes, Hereditary; Hereditary neoplastic syndrome; Hereditary Cancer Syndrome; Tumor predisposition. Identifiers: Orphanet 140162, MedGen C0027672, MeSH D009386, MONDO:0015356.
MET-related disorder. Also called: MET-related condition.
Renal cell carcinoma. Identifiers: Orphanet 217071, MedGen C0007134, MeSH D002292, MONDO:0005086, HP:0005584.
Papillary renal cell carcinoma type 1 (RCCP1). Also called: RENAL CELL CARCINOMA, PAPILLARY, 1, SOMATIC; Renal adenocarcinoma; Renal cell carcinoma 1; Renal cell carcinoma, somatic. Identifiers: Orphanet 47044, MedGen C1336839, OMIM 605074, HP:0011797.

Allele frequency attached by ClinVar (database versions not stated): TOPMed 0.00003; gnomAD 0.00004; ESP Exome Variant Server 0.00008.
gnomAD v4.1: 29 of 1,613,902 alleles (0.0018%); highest among the groups gnomAD compares: African/African-American, 0.0027%; no homozygotes.

Submissions (6):

Labcorp Genetics (formerly Invitae), Labcorp
Classification: Likely benign for Renal cell carcinoma. Last evaluated: 2026-01-28. Review status: criteria provided, single submitter. Criteria: Invitae Variant Classification Sherloc (09022015). Collection method: clinical testing. Allele origin: germline.

Center for Genomic Medicine, Rigshospitalet, Copenhagen University Hospital
Classification: Likely benign. Last evaluated: 2025-03-04. Review status: criteria provided, single submitter. Criteria: ACMG Guidelines, 2015. Collection method: clinical testing. Allele origin: germline.

Myriad Genetics, Inc.
Classification: Benign for Papillary renal cell carcinoma type 1. Last evaluated: 2024-11-13. Review status: criteria provided, single submitter. Criteria: Myriad Autosomal Dominant, Autosomal Recessive and X-Linked Classification Criteria (2023). Collection method: clinical testing. Allele origin: unknown.
Comment: This variant is considered benign. This variant is a silent/synonymous amino acid change and it is not expected to impact splicing.

Blueprint Genetics
Classification: Likely benign. Last evaluated: 2023-10-16. Review status: criteria provided, single submitter. Criteria: ACMG Guidelines, 2015. Collection method: clinical testing. Allele origin: germline.

Ambry Genetics
Classification: Likely benign for Hereditary cancer-predisposing syndrome. Last evaluated: 2015-03-06. Review status: criteria provided, single submitter. Criteria: Ambry Variant Classification Scheme 2023. Collection method: clinical testing. Allele origin: germline.

PreventionGenetics, part of Exact Sciences
Classification: Likely benign for MET-related condition. Last evaluated: 2023-09-12. Review status: no assertion criteria provided. Collection method: clinical testing. Allele origin: germline. Not counted in ClinVar's aggregate classification.
Comment: This variant is classified as likely benign based on ACMG/AMP sequence variant interpretation guidelines (Richards et al. 2015 PMID: 25741868, with internal and published modifications).